The following is an entry in ClinVar:

ClinVar aggregate classification (germline): Uncertain significance (1 of 4 stars; one submission).

Conditions:
Oligodontia-cancer predisposition syndrome. Also called: TOOTH AGENESIS-COLORECTAL CANCER SYNDROME. Identifiers: Orphanet 300576, MedGen C1837750, MONDO:0012075, OMIM 608615. Disease mechanism: loss of function.

Submission:

Labcorp Genetics (formerly Invitae), Labcorp
Classification: Uncertain significance for Oligodontia-cancer predisposition syndrome. Last evaluated: 2022-10-04. Review status: criteria provided, single submitter. Criteria: Invitae Variant Classification Sherloc (09022015). Collection method: clinical testing. Allele origin: germline.
Comment: In summary, the available evidence is currently insufficient to determine the role of this variant in disease. Therefore, it has been classified as a Variant of Uncertain Significance. This variant has not been reported in the literature in individuals affected with AXIN2-related conditions. This variant is not present in population databases (gnomAD no frequency). This sequence change creates a premature translational stop signal (p.Gly601Argfs*27) in the AXIN2 gene. Loss-of-function variants in AXIN2 are known to be pathogenic (PMID: 21416598, 15042511). However, tissue-specific alternative splicing of AXIN2 gene results in functional isoform lacking in-frame exon 7 (also known as exon 6, PMID: 15735151). For this reason the clinical significance of loss of function variants in exon 7 is currently uncertain.

Literature cited by the submitters: PubMed 21416598; PubMed 15042511.

NM_004655.4(AXIN2):c.1800dup (p.Gly601fs)

Gene: AXIN2 (axin 2; minus strand). Cytogenetic location: 17q24.1.
Variant type: Duplication.
Coding change: c.1800dup on transcript NM_004655.4 (MANE Select); coding-DNA position 1800, one base duplicated (C; older notation c.1800dupC).
Protein change: p.Gly601fs; shifts the reading frame from glycine 601.
Molecular consequence: frameshift variant. On other transcripts: intron variant (1).
Genome position (GRCh38, 1-based): chr17:65,536,976, G duplicated on the plus strand (C on the coding strand, the reverse complement: AXIN2 is on the minus strand); the first of 5 consecutive G bases (chr17:65,536,976-65,536,980); duplicating any one gives the same sequence. VCF-style (leftmost placement, unchanged base first): chr17-65536975-C-CG. GRCh37 (hg19) VCF-style: chr17-63533093-C-CG.
Other names: c.1712+348dup (NM_001363813.1); short protein forms G601fs.
Identifiers: ClinVar variation 2033975 (VCV002033975.4), dbSNP rs2144450313, ClinGen allele CA2580094695.